The following is an entry in ClinVar:

NM_013275.6(ANKRD11):c.4585A>T (p.Lys1529Ter)

Gene: ANKRD11 (ankyrin repeat domain containing 11; minus strand). Cytogenetic location: 16q24.3.
Variant type: single nucleotide variant.
Coding change: c.4585A>T on transcript NM_013275.6 (MANE Select); coding-DNA position 4585, A replaced by T.
Protein change: p.Lys1529Ter; replaces lysine 1529 with a stop codon.
Molecular consequence: nonsense.
Genome position (GRCh38, 1-based): chr16:89,281,957, T>A on the plus strand (A>T on the coding strand, the complement: ANKRD11 is on the minus strand). VCF-style: chr16-89281957-T-A. GRCh37 (hg19) VCF-style: chr16-89348365-T-A.
Other names: c.4585A>T, p.Lys1529Ter (NM_001256182.2, NM_001256183.2); short protein forms K1529*.
Identifiers: ClinVar variation 1741664 (VCV001741664.2), dbSNP rs752668552, ClinGen allele CA397157258.

ClinVar aggregate classification (germline): Pathogenic (1 of 4 stars; one submission).

Conditions:
Inborn genetic diseases. Identifiers: MedGen C0950123, MeSH D030342.

Submission:

Ambry Genetics
Classification: Pathogenic for Inborn genetic diseases. Last evaluated: 2019-01-28. Review status: criteria provided, single submitter. Criteria: Ambry Variant Classification Scheme 2023. Collection method: clinical testing. Allele origin: germline.
Comment: The p.K1529* pathogenic mutation (also known as c.4585A>T), located in coding exon 7 of the ANKRD11 gene, results from an A to T substitution at nucleotide position 4585. This changes the amino acid from a lysine to a stop codon within coding exon 7. This alteration is expected to result in loss of function by premature protein truncation or nonsense-mediated mRNA decay. As such, this alteration is interpreted as a disease-causing mutation.